The following is an entry in ClinVar:

NM_000137.4(FAH):c.997del (p.His333fs)

Gene: FAH (fumarylacetoacetate hydrolase; plus strand). Cytogenetic location: 15q25.1.
Variant type: Deletion.
Coding change: c.997del on transcript NM_000137.4 (MANE Select); coding-DNA position 997, one base deleted (C; older notation c.997delC).
Protein change: p.His333fs; shifts the reading frame from histidine 333.
Molecular consequence: frameshift variant.
Genome position (GRCh38, 1-based): chr15:80,180,160, C deleted; the last of 2 consecutive C bases (chr15:80,180,159-80,180,160); deleting either gives the same sequence. VCF-style (leftmost placement, unchanged base first): chr15-80180158-AC-A. GRCh37 (hg19) VCF-style: chr15-80472500-AC-A.
Other names: c.997del, p.His333fs (NM_001374377.1, NM_001374380.1); short protein forms H333fs.
Identifiers: ClinVar variation 4067838 (VCV004067838.2).

ClinVar aggregate classification (germline): Likely pathogenic (1 of 4 stars; one submission).

Conditions:
Tyrosinemia type I (TYRSN1). Also called: Tyrosinemia type 1; Fumarylacetoacetase deficiency; Deficiency of fumarylacetoacetase; FAH DEFICIENCY; HEPATORENAL TYROSINEMIA. Identifiers: Orphanet 882, MedGen C0268490, MONDO:0010161, OMIM 276700. Disease mechanism: loss of function.

Submission:

Natera, Inc.
Classification: Likely pathogenic for Tyrosinemia type I. Last evaluated: 2025-05-18. Review status: criteria provided, single submitter. Criteria: Natera Variant Classification Schema (03/2026). Collection method: clinical testing. Allele origin: germline.
Comment: The c.997del variant in FAH is a frameshift variant predicted to shift the reading frame beginning at codon 333 and leads to a stop codon 41 codons downstream. This variant is expected to result in nonsense mediated decay, truncation, or a dysfunctional protein product. This variant is rare in the general population with a frequency below the threshold expected for the associated phenotype(s). Given the available evidence, this variant is classified as Likely Pathogenic.